The following is an entry in ClinVar:

NM_001034852.3(SMOC1):c.235C>G (p.Leu79Val)

Gene: SMOC1 (SPARC related modular calcium binding 1; plus strand). Cytogenetic location: 14q24.2.
Variant type: single nucleotide variant.
Coding change: c.235C>G on transcript NM_001034852.3 (MANE Select); coding-DNA position 235, C replaced by G.
Protein change: p.Leu79Val; replaces leucine 79 with valine.
Molecular consequence: missense variant.
Genome position (GRCh38, 1-based): chr14:69,952,273, C>G. VCF-style: chr14-69952273-C-G. GRCh37 (hg19) VCF-style: chr14-70418990-C-G.
Other names: c.235C>G, p.Leu79Val (NM_022137.6); c.235C>G (NM_001034852.2); short protein forms L79V.
Identifiers: ClinVar variation 1909685 (VCV001909685.6), dbSNP rs1353536882, ClinGen allele CA390207601.

ClinVar aggregate classification (germline): Uncertain significance. Review status: criteria provided, multiple submitters, no conflicts (2 of 4 stars). 2 submissions from 2 submitters: Uncertain significance (2). Last evaluated 2025-11-08.

Conditions:
Inborn genetic diseases. Identifiers: MedGen C0950123, MeSH D030342.

Allele frequency attached by ClinVar (database versions not stated): gnomAD exomes 0.00001; TOPMed 0.00001; gnomAD 0.00002.
gnomAD v4.1: 12 of 1,614,096 alleles (0.00074%); highest among the groups gnomAD compares: Non-Finnish European, 0.001%; no homozygotes.

Submissions (2):

Ambry Genetics
Classification: Uncertain significance for Inborn genetic diseases. Last evaluated: 2025-11-08. Review status: criteria provided, single submitter. Criteria: Ambry Variant Classification Scheme 2023. Collection method: clinical testing. Allele origin: germline.

Labcorp Genetics (formerly Invitae), Labcorp
Classification: Uncertain significance. Last evaluated: 2022-08-22. Review status: criteria provided, single submitter. Criteria: Invitae Variant Classification Sherloc (09022015). Collection method: clinical testing. Allele origin: germline.
Comment: In summary, the available evidence is currently insufficient to determine the role of this variant in disease. Therefore, it has been classified as a Variant of Uncertain Significance. Algorithms developed to predict the effect of missense changes on protein structure and function are either unavailable or do not agree on the potential impact of this missense change (SIFT: "Tolerated"; PolyPhen-2: "Probably Damaging"; Align-GVGD: "Class C0"). This variant has not been reported in the literature in individuals affected with SMOC1-related conditions. This variant is present in population databases (no rsID available, gnomAD 0.002%). This sequence change replaces leucine, which is neutral and non-polar, with valine, which is neutral and non-polar, at codon 79 of the SMOC1 protein (p.Leu79Val).